The following is an entry in ClinVar:

NM_015910.7(WDPCP):c.384+9A>G

Gene: WDPCP (WD repeat containing planar cell polarity effector; minus strand). Cytogenetic location: 2p15.
Variant type: single nucleotide variant.
Coding change: c.384+9A>G on transcript NM_015910.7 (MANE Select); 9 bases into the intron after coding-DNA position 384, A replaced by G.
Molecular consequence: intron variant.
Genome position (GRCh38, 1-based): chr2:63,484,595, T>C on the plus strand (A>G on the coding strand, the complement: WDPCP is on the minus strand). VCF-style: chr2-63484595-T-C. GRCh37 (hg19) VCF-style: chr2-63711729-T-C.
Other names: c.312+9A>G (NM_001354044.2); c.384+9A>G (NM_001354045.2).
Identifiers: ClinVar variation 5002138 (VCV005002138.1).

ClinVar aggregate classification (germline): Uncertain significance (1 of 4 stars; one submission).

Conditions:
WDPCP-related disorder. Also called: WDPCP-related condition.

gnomAD v4.1: 1 of 1,612,716 alleles (0.000062%); highest among the groups gnomAD compares: Non-Finnish European, 0.000085%; no homozygotes.

Submission:

PreventionGenetics, part of Exact Sciences
Classification: Uncertain significance for WDPCP-related condition. Last evaluated: 2026-05-22. Review status: criteria provided, single submitter. Criteria: ACMG Guidelines, 2015. Collection method: clinical testing. Allele origin: germline.
Comment: The WDPCP c.384+9A>G variant is predicted to interfere with splicing. To our knowledge, this variant has not been reported in the literature or in a large population database (gnomAD), indicating this variant is rare. At this time, the clinical significance of this variant is uncertain due to the absence of conclusive functional and genetic evidence.